The following is an entry in ClinVar:

NM_020117.11(LARS1):c.2290A>G (p.Ile764Val)

Gene: LARS1 (leucyl-tRNA synthetase 1; minus strand). Cytogenetic location: 5q32.
Variant type: single nucleotide variant.
Coding change: c.2290A>G on transcript NM_020117.11 (MANE Select); coding-DNA position 2290, A replaced by G.
Protein change: p.Ile764Val; replaces isoleucine 764 with valine.
Molecular consequence: missense variant.
Genome position (GRCh38, 1-based): chr5:146,133,004, T>C on the plus strand (A>G on the coding strand, the complement: LARS1 is on the minus strand). VCF-style: chr5-146133004-T-C. GRCh37 (hg19) VCF-style: chr5-145512567-T-C.
Other names: c.2152A>G, p.Ile718Val (NM_001317964.2); c.2128A>G, p.Ile710Val (NM_001317965.2); c.2209A>G, p.Ile737Val (NM_016460.4); short protein forms I710V, I718V, I737V, I764V.
Identifiers: ClinVar variation 1680387 (VCV001680387.6), dbSNP rs2126433614, ClinGen allele CA361605285.

ClinVar aggregate classification (germline): Uncertain significance (1 of 4 stars; one submission).

gnomAD v4.1: 4 of 1,614,066 alleles (0.00025%); highest among the groups gnomAD compares: Non-Finnish European, 0.00025%; no homozygotes.

Submission:

Labcorp Genetics (formerly Invitae), Labcorp
Classification: Uncertain significance. Last evaluated: 2021-12-03. Review status: criteria provided, single submitter. Criteria: Invitae Variant Classification Sherloc (09022015). Collection method: clinical testing. Allele origin: germline.
Comment: In summary, the available evidence is currently insufficient to determine the role of this variant in disease. Therefore, it has been classified as a Variant of Uncertain Significance. Algorithms developed to predict the effect of missense changes on protein structure and function output the following: SIFT: "Not Available"; PolyPhen-2: "Benign"; Align-GVGD: "Not Available". The valine amino acid residue is found in multiple mammalian species, which suggests that this missense change does not adversely affect protein function. This variant has not been reported in the literature in individuals affected with LARS-related conditions. This variant is not present in population databases (gnomAD no frequency). This sequence change replaces isoleucine with valine at codon 764 of the LARS protein (p.Ile764Val). There is a small physicochemical difference between isoleucine and valine.